The following is an entry in ClinVar:

ClinVar aggregate classification (germline): Pathogenic (1 of 4 stars; one submission).

Conditions:
Griscelli syndrome type 2 (GS2). Also called: GRISCELLI SYNDROME WITH HEMOPHAGOCYTIC SYNDROME; PAID SYNDROME; PARTIAL ALBINISM AND IMMUNODEFICIENCY SYNDROME. Identifiers: Orphanet 381, Orphanet 79477, MedGen C1868679, MONDO:0011872, OMIM 607624.

Submission:

Labcorp Genetics (formerly Invitae), Labcorp
Classification: Pathogenic for Griscelli syndrome type 2. Last evaluated: 2025-01-15. Review status: criteria provided, single submitter. Criteria: Invitae Variant Classification Sherloc (09022015). Collection method: clinical testing. Allele origin: germline.
Comment: This sequence change affects a donor splice site in intron 5 of the RAB27A gene. While this variant is not anticipated to result in nonsense mediated decay, it likely alters RNA splicing and results in a disrupted protein product. This variant is not present in population databases (gnomAD no frequency). Disruption of this splice site has been observed in individual(s) with clinical features of Griscelli syndrome (PMID: 10835631, 15163896, 30934652, 32638196). In at least one individual the data is consistent with being in trans (on the opposite chromosome) from a pathogenic variant. ClinVar contains an entry for this variant (Variation ID: 2852056). Variants that disrupt the consensus splice site are a relatively common cause of aberrant splicing (PMID: 17576681, 9536098). Algorithms developed to predict the effect of sequence changes on RNA splicing suggest that this variant may disrupt the consensus splice site. For these reasons, this variant has been classified as Pathogenic.

Literature cited by the submitters: PubMed 10835631; PubMed 15163896; PubMed 30934652; PubMed 32638196; PubMed 17576681; PubMed 9536098.

NM_183235.3(RAB27A):c.467+1G>T

Gene: RAB27A (RAB27A, member RAS oncogene family; minus strand). Cytogenetic location: 15q21.3.
Variant type: single nucleotide variant.
Coding change: c.467+1G>T on transcript NM_183235.3 (MANE Select); the canonical splice donor site of the intron after coding-DNA position 467, G replaced by T.
Molecular consequence: splice donor variant.
Genome position (GRCh38, 1-based): chr15:55,223,888, C>A on the plus strand (G>T on the coding strand, the complement: RAB27A is on the minus strand). VCF-style: chr15-55223888-C-A. GRCh37 (hg19) VCF-style: chr15-55516086-C-A.
Other names: c.467+1G>T (NM_001438974.1, NM_001438973.1, NM_001438972.1 and 11 more transcripts).
Identifiers: ClinVar variation 2852056 (VCV002852056.3), dbSNP rs756071120, ClinGen allele CA392529453.
Genomic context (GRCh38, chr15:55,223,888, plus strand): 5'-TTCACCTGCTAATGTTTATATTGAAAATGTTTTCTCTAGACTTCTCCACAAAAATACTCA[C>A]CCATATTTCTCTGCGAGTGCTATGGCTTCCTCCTCTTTCACTACTCTCTGGTCCTCCAGA-3'